The following is an entry in ClinVar:

NM_005159.5(ACTC1):c.1067A>G (p.Gln356Arg)

Genes: GJD2-DT (GJD2 divergent transcript; plus strand), ACTC1 (actin alpha cardiac muscle 1; minus strand). Cytogenetic location: 15q14.
Variant type: single nucleotide variant.
Coding change: c.1067A>G on transcript NM_005159.5 (MANE Select); coding-DNA position 1067, A replaced by G.
Protein change: p.Gln356Arg; replaces glutamine 356 with arginine.
Molecular consequence: missense variant.
Genome position (GRCh38, 1-based): chr15:34,790,479, T>C on the plus strand (A>G on the coding strand, the complement: ACTC1 is on the minus strand). VCF-style: chr15-34790479-T-C. GRCh37 (hg19) VCF-style: chr15-35082680-T-C.
Other names: c.1067A>G (NM_005159.4); short protein forms Q356R.
Identifiers: ClinVar variation 1421370 (VCV001421370.9), dbSNP rs2140428997, ClinGen allele CA391628911.

ClinVar aggregate classification (germline): Uncertain significance. Review status: criteria provided, multiple submitters, no conflicts (2 of 4 stars). 2 submissions from 2 submitters: Uncertain significance (2). Last evaluated 2023-01-16.

Conditions:
Hypertrophic cardiomyopathy 11. Also called: ACTC1-Related Familial Hypertrophic Cardiomyopathy. Identifiers: MedGen C2677506, MONDO:0012799, OMIM 612098.
Dilated cardiomyopathy 1R (CMD1R). Identifiers: Orphanet 154, Orphanet 54260, MedGen C3150681, MONDO:0013261, OMIM 613424.
Atrial septal defect 5 (ASD5). Identifiers: Orphanet 1478, MedGen C2748552, MONDO:0013011, OMIM 612794.
Cardiovascular phenotype. Identifiers: MedGen CN230736.

Submissions (2):

Ambry Genetics
Classification: Uncertain significance for Cardiovascular phenotype. Last evaluated: 2023-01-16. Review status: criteria provided, single submitter. Criteria: Ambry Variant Classification Scheme 2023. Collection method: clinical testing. Allele origin: germline.
Comment: The p.Q356R variant (also known as c.1067A>G), located in coding exon 6 of the ACTC1 gene, results from an A to G substitution at nucleotide position 1067. The glutamine at codon 356 is replaced by arginine, an amino acid with highly similar properties. This amino acid position is conserved. In addition, this alteration is predicted to be deleterious by in silico analysis. Since supporting evidence is limited at this time, the clinical significance of this alteration remains unclear.

Labcorp Genetics (formerly Invitae), Labcorp
Classification: Uncertain significance for Dilated cardiomyopathy 1R; Hypertrophic cardiomyopathy 11; Atrial septal defect 5. Last evaluated: 2020-12-25. Review status: criteria provided, single submitter. Criteria: Invitae Variant Classification Sherloc (09022015). Collection method: clinical testing. Allele origin: germline.
Comment: In summary, the available evidence is currently insufficient to determine the role of this variant in disease. Therefore, it has been classified as a Variant of Uncertain Significance. Algorithms developed to predict the effect of missense changes on protein structure and function are either unavailable or do not agree on the potential impact of this missense change (SIFT: "Deleterious"; PolyPhen-2: "Benign"; Align-GVGD: "Class C35"). This variant has not been reported in the literature in individuals with ACTC1-related conditions. This variant is not present in population databases (ExAC no frequency). This sequence change replaces glutamine with arginine at codon 356 of the ACTC1 protein (p.Gln356Arg). The glutamine residue is highly conserved and there is a small physicochemical difference between glutamine and arginine.